The following is an entry in ClinVar:

NM_006364.4(SEC23A):c.478C>T (p.Pro160Ser)

Gene: SEC23A (SEC23 homolog A, COPII component; minus strand). Cytogenetic location: 14q21.1.
Variant type: single nucleotide variant.
Coding change: c.478C>T on transcript NM_006364.4 (MANE Select); coding-DNA position 478, C replaced by T.
Protein change: p.Pro160Ser; replaces proline 160 with serine.
Molecular consequence: missense variant.
Genome position (GRCh38, 1-based): chr14:39,091,602, G>A on the plus strand (C>T on the coding strand, the complement: SEC23A is on the minus strand). VCF-style: chr14-39091602-G-A. GRCh37 (hg19) VCF-style: chr14-39560806-G-A.
Other names: short protein forms P160S.
Identifiers: ClinVar variation 1035662 (VCV001035662.7), dbSNP rs1887666757, ClinGen allele CA389536751.
Genomic context (GRCh38, chr14:39,091,602, plus strand): 5'-ATCCAAGTTCATGAACCTGAACCATTCTCCCAAAAGTAATAAGTCCAACCAAAGCTGTAG[G>A]TGGTAAAAGACTTAATGACATCTGCATGGATTCTTTCAGGGCTTGTAAATCTTCATCTTC-3'
Protein context (NP_006355.2, residues 150-170): SMQMSLSLLP[Pro160Ser]TALVGLITFG

ClinVar aggregate classification (germline): Uncertain significance (1 of 4 stars; one submission).

Conditions:
Craniolenticulosutural dysplasia (CLSD). Also called: BOYADJIEV-JABS SYNDROME. Identifiers: Orphanet 50814, MedGen C1843042, MONDO:0011911, OMIM 607812.

Allele frequency attached by ClinVar (database versions not stated): gnomAD exomes below 0.00001.
gnomAD v4.1: 5 of 1,613,820 alleles (0.00031%); highest among the groups gnomAD compares: Non-Finnish European, 0.00042%; no homozygotes.

Submission:

Labcorp Genetics (formerly Invitae), Labcorp
Classification: Uncertain significance for Craniolenticulosutural dysplasia. Last evaluated: 2020-05-27. Review status: criteria provided, single submitter. Criteria: Invitae Variant Classification Sherloc (09022015). Collection method: clinical testing. Allele origin: germline.
Comment: This variant has not been reported in the literature in individuals with SEC23A-related conditions. This variant is not present in population databases (ExAC no frequency). This sequence change replaces proline with serine at codon 160 of the SEC23A protein (p.Pro160Ser). The proline residue is highly conserved and there is a moderate physicochemical difference between proline and serine. Algorithms developed to predict the effect of missense changes on protein structure and function output the following: SIFT: "Not Available"; PolyPhen-2: "Benign"; Align-GVGD: "Not Available". The serine amino acid residue is found in multiple mammalian species, suggesting that this missense change does not adversely affect protein function. These predictions have not been confirmed by published functional studies and their clinical significance is uncertain. In summary, the available evidence is currently insufficient to determine the role of this variant in disease. Therefore, it has been classified as a Variant of Uncertain Significance.